The following is an entry in ClinVar:

NM_000051.4(ATM):c.638T>C (p.Phe213Ser)

Gene: ATM (ATM serine/threonine kinase; plus strand). Cytogenetic location: 11q22.3.
Variant type: single nucleotide variant.
Coding change: c.638T>C on transcript NM_000051.4 (MANE Select); coding-DNA position 638, T replaced by C.
Protein change: p.Phe213Ser; replaces phenylalanine 213 with serine.
Molecular consequence: missense variant.
Genome position (GRCh38, 1-based): chr11:108,244,094, T>C. VCF-style: chr11-108244094-T-C. GRCh37 (hg19) VCF-style: chr11-108114821-T-C.
Other names: c.638T>C, p.Phe213Ser (NM_001351834.2); short protein forms F213S.
Identifiers: ClinVar variation 3635448 (VCV003635448.3).

ClinVar aggregate classification (germline): Uncertain significance. Review status: criteria provided, single submitter (1 of 4 stars). 2 submissions from 2 submitters: Uncertain significance (1). 1 of the submissions does not count toward it. Last evaluated 2025-02-16.

Conditions:
Ataxia-telangiectasia syndrome (AT). Also called: ATAXIA-TELANGIECTASIA, COMPLEMENTATION GROUP A; ATAXIA-TELANGIECTASIA, FRESNO VARIANT; LOUIS-BAR SYNDROME; Cerebello-oculocutaneous telangiectasia; Immunodeficiency with ataxia telangiectasia; Ataxia-telangiectasia, complementation group E. Identifiers: Orphanet 100, MedGen C0004135, MONDO:0008840, OMIM 208900.

gnomAD v4.1: 1 of 1,613,908 alleles (0.000062%); highest among the groups gnomAD compares: South Asian, 0.0011%; no homozygotes.

Submissions (2):

Labcorp Genetics (formerly Invitae), Labcorp
Classification: Uncertain significance for Ataxia-telangiectasia syndrome. Last evaluated: 2025-02-16. Review status: criteria provided, single submitter. Criteria: Invitae Variant Classification Sherloc (09022015). Collection method: clinical testing. Allele origin: germline.
Comment: This sequence change replaces phenylalanine, which is neutral and non-polar, with serine, which is neutral and polar, at codon 213 of the ATM protein (p.Phe213Ser). This variant is present in population databases (no rsID available, gnomAD 0.003%). This variant has not been reported in the literature in individuals affected with ATM-related conditions. Invitae Evidence Modeling of protein sequence and biophysical properties (such as structural, functional, and spatial information, amino acid conservation, physicochemical variation, residue mobility, and thermodynamic stability) indicates that this missense variant is not expected to disrupt ATM protein function with a negative predictive value of 95%. In summary, the available evidence is currently insufficient to determine the role of this variant in disease. Therefore, it has been classified as a Variant of Uncertain Significance.

Natera, Inc.
Classification: Uncertain significance for Ataxia-telangiectasia. Last evaluated: 2025-01-28. Review status: no assertion criteria provided. Collection method: clinical testing. Allele origin: germline. Not counted in ClinVar's aggregate classification.